The following is an entry in ClinVar:

NM_004260.4(RECQL4):c.2999T>C (p.Leu1000Pro)

Gene: RECQL4 (RecQ like helicase 4; minus strand). Cytogenetic location: 8q24.3.
Variant type: single nucleotide variant.
Coding change: c.2999T>C on transcript NM_004260.4 (MANE Select); coding-DNA position 2999, T replaced by C.
Protein change: p.Leu1000Pro; replaces leucine 1000 with proline.
Molecular consequence: missense variant.
Genome position (GRCh38, 1-based): chr8:144,512,448, A>G on the plus strand (T>C on the coding strand, the complement: RECQL4 is on the minus strand). VCF-style: chr8-144512448-A-G. GRCh37 (hg19) VCF-style: chr8-145737831-A-G.
Other names: short protein forms L1000P.
Identifiers: ClinVar variation 933847 (VCV000933847.6), dbSNP rs778030723, ClinGen allele CA4947979.

ClinVar aggregate classification (germline): Uncertain significance (1 of 4 stars; one submission).

Conditions:
Baller-Gerold syndrome (BGS). Also called: CRANIOSYNOSTOSIS WITH RADIAL DEFECTS. Identifiers: Orphanet 1225, MedGen C0265308, MONDO:0009039, OMIM 218600.

Allele frequency attached by ClinVar (database versions not stated): TOPMed below 0.00001; gnomAD exomes 0.00001; ExAC 0.00003.
gnomAD v4.1: 12 of 1,611,466 alleles (0.00074%); highest among the groups gnomAD compares: South Asian, 0.011%; 1 homozygote.

Submission:

Labcorp Genetics (formerly Invitae), Labcorp
Classification: Uncertain significance for Baller-Gerold syndrome. Last evaluated: 2025-07-08. Review status: criteria provided, single submitter. Criteria: Invitae Variant Classification Sherloc (09022015). Collection method: clinical testing. Allele origin: germline.
Comment: This sequence change replaces leucine, which is neutral and non-polar, with proline, which is neutral and non-polar, at codon 1000 of the RECQL4 protein (p.Leu1000Pro). This variant is present in population databases (rs778030723, gnomAD 0.01%), including at least one homozygous and/or hemizygous individual. This variant has not been reported in the literature in individuals affected with RECQL4-related conditions. ClinVar contains an entry for this variant (Variation ID: 933847). Invitae Evidence Modeling of protein sequence and biophysical properties (such as structural, functional, and spatial information, amino acid conservation, physicochemical variation, residue mobility, and thermodynamic stability) indicates that this missense variant is expected to disrupt RECQL4 protein function with a positive predictive value of 80%. In summary, the available evidence is currently insufficient to determine the role of this variant in disease. Therefore, it has been classified as a Variant of Uncertain Significance.